The following is an entry in ClinVar:

NM_001184.4(ATR):c.5298G>T (p.Trp1766Cys)

Gene: ATR (ATR serine/threonine kinase; minus strand). Cytogenetic location: 3q23.
Variant type: single nucleotide variant.
Coding change: c.5298G>T on transcript NM_001184.4 (MANE Select); coding-DNA position 5298, G replaced by T.
Protein change: p.Trp1766Cys; replaces tryptophan 1766 with cysteine.
Molecular consequence: missense variant.
Genome position (GRCh38, 1-based): chr3:142,499,709, C>A on the plus strand (G>T on the coding strand, the complement: ATR is on the minus strand). VCF-style: chr3-142499709-C-A. GRCh37 (hg19) VCF-style: chr3-142218551-C-A.
Other names: c.5106G>T, p.Trp1702Cys (NM_001354579.2); short protein forms W1702C, W1766C.
Identifiers: ClinVar variation 3462554 (VCV003462554.1).

ClinVar aggregate classification (germline): Uncertain significance (1 of 4 stars; one submission).

Conditions:
Inborn genetic diseases. Identifiers: MedGen C0950123, MeSH D030342.

Submission:

Ambry Genetics
Classification: Uncertain significance for Inborn genetic diseases. Last evaluated: 2024-08-26. Review status: criteria provided, single submitter. Criteria: Ambry Variant Classification Scheme 2023. Collection method: clinical testing. Allele origin: germline.
Comment: The p.W1766C variant (also known as c.5298G>T), located in coding exon 31 of the ATR gene, results from a G to T substitution at nucleotide position 5298. The tryptophan at codon 1766 is replaced by cysteine, an amino acid with highly dissimilar properties. This amino acid position is conserved. In addition, the in silico prediction for this alteration is inconclusive. Based on the available evidence, the clinical significance of this variant remains unclear.